The following is an entry in ClinVar:

NM_005560.6(LAMA5):c.8599C>T (p.Leu2867Phe)

Gene: LAMA5 (laminin subunit alpha 5; minus strand). Cytogenetic location: 20q13.33.
Variant type: single nucleotide variant.
Coding change: c.8599C>T on transcript NM_005560.6 (MANE Select); coding-DNA position 8599, C replaced by T.
Protein change: p.Leu2867Phe; replaces leucine 2867 with phenylalanine.
Molecular consequence: missense variant.
Genome position (GRCh38, 1-based): chr20:62,313,708, G>A on the plus strand (C>T on the coding strand, the complement: LAMA5 is on the minus strand). VCF-style: chr20-62313708-G-A. GRCh37 (hg19) VCF-style: chr20-60888764-G-A.
Other names: short protein forms L2867F.
Identifiers: ClinVar variation 2351265 (VCV002351265.3), dbSNP rs150255448, ClinGen allele CA9940642.

ClinVar aggregate classification (germline): Uncertain significance. Review status: criteria provided, multiple submitters, no conflicts (2 of 4 stars). 2 submissions from 2 submitters: Uncertain significance (2). Last evaluated 2025-12-30.

Conditions:
Inborn genetic diseases. Identifiers: MedGen C0950123, MeSH D030342.

Allele frequency attached by ClinVar (database versions not stated): TOPMed 0.00001; gnomAD 0.00002; ExAC 0.00003; gnomAD exomes 0.00008; ESP Exome Variant Server 0.00015.
gnomAD v4.1: 114 of 1,612,782 alleles (0.0071%); highest among the groups gnomAD compares: Non-Finnish European, 0.0092%; no homozygotes.

Submissions (2):

Labcorp Genetics (formerly Invitae), Labcorp
Classification: Uncertain significance. Last evaluated: 2025-12-30. Review status: criteria provided, single submitter. Criteria: Invitae Variant Classification Sherloc (09022015). Collection method: clinical testing. Allele origin: germline.
Comment: This sequence change replaces leucine, which is neutral and non-polar, with phenylalanine, which is neutral and non-polar, at codon 2867 of the LAMA5 protein (p.Leu2867Phe). This variant is present in population databases (rs150255448, gnomAD 0.006%). This variant has not been reported in the literature in individuals affected with LAMA5-related conditions. ClinVar contains an entry for this variant (Variation ID: 2351265). Invitae Evidence Modeling of protein sequence and biophysical properties (such as structural, functional, and spatial information, amino acid conservation, physicochemical variation, residue mobility, and thermodynamic stability) indicates that this missense variant is not expected to disrupt LAMA5 protein function with a negative predictive value of 80%. In summary, the available evidence is currently insufficient to determine the role of this variant in disease. Therefore, it has been classified as a Variant of Uncertain Significance.

Ambry Genetics
Classification: Uncertain significance for Inborn genetic diseases. Last evaluated: 2022-08-08. Review status: criteria provided, single submitter. Criteria: Ambry Variant Classification Scheme 2023. Collection method: clinical testing. Allele origin: germline.